The following is an entry in ClinVar:

ClinVar aggregate classification (germline): Benign/Likely benign. Review status: criteria provided, multiple submitters, no conflicts (2 of 4 stars). 9 submissions from 9 submitters: Benign (1); Likely benign (6). 2 of the submissions do not count toward it. Last evaluated 2026-05-01.

Conditions:
RAI1-related disorder. Also called: RAI1-related condition.
Inborn genetic diseases. Identifiers: MedGen C0950123, MeSH D030342.
Autosomal recessive nonsyndromic hearing loss 9. Also called: Deafness, autosomal recessive 9; AUDITORY NEUROPATHY, AUTOSOMAL RECESSIVE, 1, TEMPERATURE-SENSITIVE; OTOF-Related Hearing Loss; NEUROSENSORY NONSYNDROMIC RECESSIVE DEAFNESS 9. Identifiers: Orphanet 90636, MedGen C1832828, MONDO:0010986, OMIM 601071.

Allele frequency attached by ClinVar (database versions not stated): TOPMed 0.00009; ExAC 0.00010; gnomAD exomes 0.00010; gnomAD 0.00012 and 0.00013.
gnomAD v4.1: 141 of 1,612,490 alleles (0.0087%); highest among the groups gnomAD compares: Admixed American, 0.01%; no homozygotes.

Submissions (9):

CeGaT Center for Human Genetics Tuebingen
Classification: Likely benign. Last evaluated: 2026-05-01. Review status: criteria provided, single submitter. Criteria: CeGaT Center For Human Genetics Tuebingen Variant Classification Criteria Version 2. Collection method: clinical testing. Allele origin: germline. Affected: yes. Observed: 4 variant alleles.
Comment: RAI1: BS2

Labcorp Genetics (formerly Invitae), Labcorp
Classification: Likely benign. Last evaluated: 2025-11-12. Review status: criteria provided, single submitter. Criteria: Invitae Variant Classification Sherloc (09022015). Collection method: clinical testing. Allele origin: germline.

PreventionGenetics, part of Exact Sciences
Classification: Likely benign for RAI1-related condition. Last evaluated: 2025-10-11. Review status: criteria provided, single submitter. Criteria: ACMG Guidelines, 2015. Collection method: clinical testing. Allele origin: germline.
Comment: This variant is classified as likely benign based on ACMG/AMP sequence variant interpretation guidelines (Richards et al. 2015 PMID: 25741868, with internal and published modifications).

Laboratory of Genetics, Children's Clinical University Hospital Latvia
Classification: Benign. Last evaluated: 2025-02-16. Review status: criteria provided, single submitter. Criteria: ACMG Guidelines, 2015. Collection method: clinical testing. Allele origin: germline. Affected: yes.

Ambry Genetics
Classification: Likely benign for Inborn genetic diseases. Last evaluated: 2024-03-14. Review status: criteria provided, single submitter. Criteria: Ambry Variant Classification Scheme 2023. Collection method: clinical testing. Allele origin: germline.

Eurofins Ntd Llc (ga)
Classification: Likely benign. Last evaluated: 2016-01-28. Review status: criteria provided, single submitter. Criteria: EGL Classification Definitions 2015. Collection method: clinical testing. Allele origin: germline. Observed: 2 variant alleles, 2 heterozygotes.

Genetic Services Laboratory, University of Chicago
Classification: Likely benign. Last evaluated: 2015-02-25. Review status: criteria provided, single submitter. Criteria: ACMG Guidelines, 2015. Collection method: clinical testing. Allele origin: germline.

Institute for Clinical Genetics, University Hospital TU Dresden, University Hospital TU Dresden
Classification: Likely pathogenic. Last evaluated: 2021-11-03. Review status: flagged submission. Criteria: ACMG Guidelines, 2015. Collection method: clinical testing. Allele origin: germline. Not counted in ClinVar's aggregate classification.
ClinVar note: Reason: Outlier claim with insufficient supporting evidence

University of Arizona Genetics Core, University of Arizona
Classification: Pathogenic for Deafness, autosomal recessive 9. Review status: flagged submission. Criteria: research. Collection method: research. Allele origin: germline. Affected: yes. Observed: 26 variant alleles, 16 heterozygotes, 10 homozygotes. Clinical features observed: Nonsyndromic hearing loss. Study: Whole-exome sequencing revealed point mutations in RAI1, OTOF, and SLC26A4 genes as the causes of nonsyndromic hearing loss in Altaian families (Southern Siberia). Not counted in ClinVar's aggregate classification.
Comment: The variant in RAI1 gene has been found to cause hearing loss similar to non-syndromic autosomal recessive mechanism without any other abnormalities associated with Smith-Magenis syndrome (MIM:182290), which has autosomal dominant form of inheritance.

DNA samples were analyzed from Altaian families diagnosed with nonsyndromic hearing loss. Prior to the analysis the samples were confirmed to be GJB2-negative by Sanger sequencing. Based on assumption of a strong founder effect a number of novel homozygous variants have been found in candidate genes previously associated with hearing loss. The variants co-segregated with the large pedigree families.
ClinVar note: Reason: Outlier claim with insufficient supporting evidence

Literature cited by the submitters: PubMed 27082237 (cited by University of Arizona Genetics Core, University of Arizona).

NM_030665.4(RAI1):c.5254G>A (p.Gly1752Arg)

Gene: RAI1 (retinoic acid induced 1; plus strand). Cytogenetic location: 17p11.2.
Variant type: single nucleotide variant.
Coding change: c.5254G>A on transcript NM_030665.4 (MANE Select); coding-DNA position 5254, G replaced by A.
Protein change: p.Gly1752Arg; replaces glycine 1752 with arginine.
Molecular consequence: missense variant.
Genome position (GRCh38, 1-based): chr17:17,798,202, G>A. VCF-style: chr17-17798202-G-A. GRCh37 (hg19) VCF-style: chr17-17701516-G-A.
Other names: short protein forms G1752R.
Identifiers: ClinVar variation 212012 (VCV000212012.45), dbSNP rs755572135, ClinGen allele CA207965.